The following is an entry in ClinVar:

NM_015978.3(TNNI3K):c.1672C>T (p.Leu558Phe)

Genes: FPGT-TNNI3K (FPGT-TNNI3K readthrough; plus strand), TNNI3K (TNNI3 interacting kinase; plus strand). Cytogenetic location: 1p31.1.
Variant type: single nucleotide variant.
Coding change: c.1672C>T on transcript NM_015978.3 (MANE Select); coding-DNA position 1672, C replaced by T.
Protein change: p.Leu558Phe; replaces leucine 558 with phenylalanine.
Molecular consequence: missense variant.
Genome position (GRCh38, 1-based): chr1:74,370,292, C>T. VCF-style: chr1-74370292-C-T. GRCh37 (hg19) VCF-style: chr1-74835976-C-T.
Other names: c.1975C>T, p.Leu659Phe (NM_001112808.3, NM_001199327.2); short protein forms L558F, L659F.
Identifiers: ClinVar variation 1369087 (VCV001369087.8), dbSNP rs762791294, ClinGen allele CA909371.

ClinVar aggregate classification (germline): Uncertain significance (1 of 4 stars; one submission).

Allele frequency attached by ClinVar (database versions not stated): TOPMed below 0.00001; ExAC 0.00001; gnomAD 0.00001.
gnomAD v4.1: 11 of 1,587,232 alleles (0.00069%); highest among the groups gnomAD compares: Middle Eastern, 0.017%; no homozygotes.

Submission:

Labcorp Genetics (formerly Invitae), Labcorp
Classification: Uncertain significance. Last evaluated: 2024-10-28. Review status: criteria provided, single submitter. Criteria: Invitae Variant Classification Sherloc (09022015). Collection method: clinical testing. Allele origin: germline.
Comment: This sequence change replaces leucine, which is neutral and non-polar, with phenylalanine, which is neutral and non-polar, at codon 558 of the TNNI3K protein (p.Leu558Phe). This variant is present in population databases (rs762791294, gnomAD 0.002%). This variant has not been reported in the literature in individuals affected with TNNI3K-related conditions. ClinVar contains an entry for this variant (Variation ID: 1369087). Invitae Evidence Modeling of protein sequence and biophysical properties (such as structural, functional, and spatial information, amino acid conservation, physicochemical variation, residue mobility, and thermodynamic stability) indicates that this missense variant is not expected to disrupt TNNI3K protein function with a negative predictive value of 80%. In summary, the available evidence is currently insufficient to determine the role of this variant in disease. Therefore, it has been classified as a Variant of Uncertain Significance.